The following is an entry in ClinVar:

NM_005592.4(MUSK):c.701C>T (p.Thr234Ile)

Gene: MUSK (muscle associated receptor tyrosine kinase; plus strand). Cytogenetic location: 9q31.3.
Variant type: single nucleotide variant.
Coding change: c.701C>T on transcript NM_005592.4 (MANE Select); coding-DNA position 701, C replaced by T.
Protein change: p.Thr234Ile; replaces threonine 234 with isoleucine.
Molecular consequence: missense variant. On other transcripts: 5 prime UTR variant (1).
Genome position (GRCh38, 1-based): chr9:110,734,323, C>T. VCF-style: chr9-110734323-C-T. GRCh37 (hg19) VCF-style: chr9-113496603-C-T.
Other names: c.731C>T, p.Thr244Ile (NM_001166280.2); c.701C>T, p.Thr234Ile (NM_001166281.2); c.-536C>T (NM_001369398.1); short protein forms T244I, T234I.
Identifiers: ClinVar variation 914935 (VCV000914935.11), dbSNP rs1170201682, ClinGen allele CA374667836.
Genomic context (GRCh38, chr9:110,734,323, plus strand): 5'-TCCTGCGGGCTCCTGAATCCCACAATGTCACCTTTGGCTCCTTTGTGACCCTGCACTGTA[C>T]AGCAACAGGCATTCCTGTCCCCACCATCACCTGGATTGAAAACGGAAATGCTGTGAGTGT-3'
Protein context (NP_005583.1, residues 224-244): TFGSFVTLHC[Thr234Ile]ATGIPVPTIT

ClinVar aggregate classification (germline): Uncertain significance. Review status: criteria provided, multiple submitters, no conflicts (2 of 4 stars). 3 submissions from 3 submitters: Uncertain significance (3). Last evaluated 2025-08-08.

Conditions:
Congenital myasthenic syndrome 9. Also called: Myasthenic syndrome, congenital, 9, associated with acetylcholine receptor deficiency. Identifiers: Orphanet 590, MedGen C4225368, MONDO:0014587, OMIM 616325.
Fetal akinesia deformation sequence 1 (FADS1). Also called: Pena-Shokeir syndrome type I; Fetal akinesia sequence. Identifiers: Orphanet 994, MedGen C1276035, MONDO:0100101, OMIM 208150, HP:0001989.
Inborn genetic diseases. Identifiers: MedGen C0950123, MeSH D030342.

Allele frequency attached by ClinVar (database versions not stated): gnomAD exomes below 0.00001 and 0.00001; TOPMed below 0.00001; gnomAD 0.00001.
gnomAD v4.1: 3 of 1,613,156 alleles (0.00019%); highest among the groups gnomAD compares: Non-Finnish European, 0.00025%; no homozygotes.

Submissions (3):

Ambry Genetics
Classification: Uncertain significance for Inborn genetic diseases. Last evaluated: 2025-08-08. Review status: criteria provided, single submitter. Criteria: Ambry Variant Classification Scheme 2023. Collection method: clinical testing. Allele origin: germline.

Labcorp Genetics (formerly Invitae), Labcorp
Classification: Uncertain significance for Congenital myasthenic syndrome 9; Fetal akinesia deformation sequence 1. Last evaluated: 2022-08-23. Review status: criteria provided, single submitter. Criteria: Invitae Variant Classification Sherloc (09022015). Collection method: clinical testing. Allele origin: germline.
Comment: This sequence change replaces threonine, which is neutral and polar, with isoleucine, which is neutral and non-polar, at codon 234 of the MUSK protein (p.Thr234Ile). This variant is present in population databases (no rsID available, gnomAD 0.002%). This variant has not been reported in the literature in individuals affected with MUSK-related conditions. ClinVar contains an entry for this variant (Variation ID: 914935). Advanced modeling of protein sequence and biophysical properties (such as structural, functional, and spatial information, amino acid conservation, physicochemical variation, residue mobility, and thermodynamic stability) performed at Invitae indicates that this missense variant is not expected to disrupt MUSK protein function. In summary, the available evidence is currently insufficient to determine the role of this variant in disease. Therefore, it has been classified as a Variant of Uncertain Significance.

Illumina Laboratory Services, Illumina
Classification: Uncertain significance for Congenital myasthenic syndrome 9. Last evaluated: 2018-01-13. Review status: criteria provided, single submitter. Criteria: ICSL Variant Classification Criteria 13 December 2019. Collection method: clinical testing. Allele origin: germline.